The following is an entry in ClinVar:

ClinVar aggregate classification (germline): Uncertain significance (1 of 4 stars; one submission).

Allele frequency attached by ClinVar (database versions not stated): TOPMed 0.00001.

Submission:

CeGaT Center for Human Genetics Tuebingen
Classification: Uncertain significance. Last evaluated: 2022-12-01. Review status: criteria provided, single submitter. Criteria: CeGaT Center For Human Genetics Tuebingen Variant Classification Criteria Version 2. Collection method: clinical testing. Allele origin: germline. Affected: yes. Observed: 1 variant allele.
Comment: FGFR1: PM2, PP3

NM_023110.3(FGFR1):c.2203G>C (p.Asp735His)

Gene: FGFR1 (fibroblast growth factor receptor 1; minus strand). Cytogenetic location: 8p11.23.
Variant type: single nucleotide variant.
Coding change: c.2203G>C on transcript NM_023110.3 (MANE Select); coding-DNA position 2203, G replaced by C.
Protein change: p.Asp735His; replaces aspartic acid 735 with histidine.
Molecular consequence: missense variant.
Genome position (GRCh38, 1-based): chr8:38,414,007, C>G on the plus strand (G>C on the coding strand, the complement: FGFR1 is on the minus strand). VCF-style: chr8-38414007-C-G. GRCh37 (hg19) VCF-style: chr8-38271525-C-G.
Other names: c.2203G>C, p.Asp735His (NM_000604.2); c.2197G>C, p.Asp733His (NM_001174063.2, NM_001174065.2, NM_001354367.2 and 1 more transcripts); c.2173G>C, p.Asp725His (NM_001174064.2); c.1936G>C, p.Asp646His (NM_001174066.2, NM_023105.3); c.2296G>C, p.Asp766His (NM_001174067.2); c.1924G>C, p.Asp642His (NM_001354368.2); c.2191G>C, p.Asp731His (NM_001354369.2, NM_001410922.1); c.1930G>C, p.Asp644His (NM_001354370.2, NM_023106.3); short protein forms D642H, D644H, D646H, D725H, D731H, D733H, D735H, D766H.
Identifiers: ClinVar variation 2658546 (VCV002658546.24), dbSNP rs1815350693, ClinGen allele CA370728150.